The following is an entry in ClinVar:

ClinVar aggregate classification (germline): Uncertain significance (1 of 4 stars; one submission).

Allele frequency attached by ClinVar (database versions not stated): gnomAD 0.00001.
gnomAD v4.1: 1 of 1,600,288 alleles (0.000062%); highest among the groups gnomAD compares: Middle Eastern, 0.017%; no homozygotes.

Submission:

GeneDx
Classification: Uncertain significance. Last evaluated: 2024-03-08. Review status: criteria provided, single submitter. Criteria: GeneDx Variant Classification Process June 2021. Collection method: clinical testing. Allele origin: germline.
Comment: Not observed at significant frequency in large population cohorts (gnomAD); In silico analysis supports a deleterious effect on splicing; Has not been previously published as pathogenic or benign to our knowledge

NM_058172.6(ANTXR2):c.1041+5G>C

Gene: ANTXR2 (ANTXR cell adhesion molecule 2; minus strand). Cytogenetic location: 4q21.21.
Variant type: single nucleotide variant.
Coding change: c.1041+5G>C on transcript NM_058172.6 (MANE Select); 5 bases into the intron after coding-DNA position 1041, G replaced by C.
Molecular consequence: intron variant.
Genome position (GRCh38, 1-based): chr4:80,008,516, C>G on the plus strand (G>C on the coding strand, the complement: ANTXR2 is on the minus strand). VCF-style: chr4-80008516-C-G. GRCh37 (hg19) VCF-style: chr4-80929670-C-G.
Other names: c.810+5G>C (NM_001286780.2, NM_001286781.2); c.1041+5G>C (NM_001145794.2).
Identifiers: ClinVar variation 1699672 (VCV001699672.3), dbSNP rs2110056028, ClinGen allele CA2578126345.